The following is an entry in ClinVar:

NM_000159.4(GCDH):c.730G>T (p.Gly244Cys)

Gene: GCDH (glutaryl-CoA dehydrogenase; plus strand). Cytogenetic location: 19p13.13.
Variant type: single nucleotide variant.
Coding change: c.730G>T on transcript NM_000159.4 (MANE Select); coding-DNA position 730, G replaced by T.
Protein change: p.Gly244Cys; replaces glycine 244 with cysteine.
Molecular consequence: missense variant. On other transcripts: non-coding transcript variant (2).
Genome position (GRCh38, 1-based): chr19:12,896,299, G>T. VCF-style: chr19-12896299-G-T. GRCh37 (hg19) VCF-style: chr19-13007113-G-T.
Other names: c.730G>T, p.Gly244Cys (NM_013976.5); short protein forms G244C.
Identifiers: ClinVar variation 4817847 (VCV004817847.1).

ClinVar aggregate classification (germline): Likely pathogenic (1 of 4 stars; one submission).

Conditions:
Glutaric aciduria, type 1. Also called: Glutaric Acidemia Type 1; Glutaryl-CoA dehydrogenase deficiency; Glutaric acidemia type I; GA I; Glutaricacidemia Type 1; Glutaricaciduria, type I. Identifiers: Orphanet 25, MedGen C0268595, MONDO:0009281, OMIM 231670.

Submission:

Natera, Inc.
Classification: Likely pathogenic for Glutaric acidemia type 1. Last evaluated: 2025-11-26. Review status: criteria provided, single submitter. Criteria: Natera Variant Classification Schema (03/2026). Collection method: clinical testing. Allele origin: germline.
Comment: The c.730G>T variant in GCDH is a missense variant predicted to cause substitution of glycine to cysteine at amino acid 244. This variant is rare in the general population with a frequency below the threshold expected for the associated phenotype(s). This variant has been observed in one or more individuals affected with the associated recessive disease, as either homozygous or compound heterozygous with a second variant (PMID: 28062662, 29201125). Functional studies show that this variant may disrupt protein function (PMID: 28062662). Computational prediction algorithms indicate this variant is likely to affect gene or protein function. Given the available evidence, this variant is classified as Likely Pathogenic.

Literature cited by the submitters: PubMed 28062662; PubMed 29201125.